The following is an entry in ClinVar:

ClinVar aggregate classification (germline): Conflicting classifications of pathogenicity. Review status: criteria provided, conflicting classifications (1 of 4 stars). 4 submissions from 4 submitters: Uncertain significance (3); Benign (1). Last evaluated 2025-10-15.

Conditions:
Malignant hyperthermia, susceptibility to, 5 (MHS5). Also called: CACNA1S-Related Malignant Hyperthermia Susceptibility. Identifiers: Orphanet 423, MedGen C1866077, MONDO:0011163, OMIM 601887.
Hypokalemic periodic paralysis, type 1. Also called: Hypokalemic Periodic Paralysis Type 1 (AD); HypoPP. Identifiers: Orphanet 681, MedGen C3714580, MONDO:0042979, OMIM 170400.
Congenital myopathy 18. Also called: Myopathy, congenital, due to dihydropyridine receptor defect; DIHYDROPYRIDINE RECEPTOR CONGENITAL MYOPATHY; DHPR CONGENITAL MYOPATHY. Identifiers: MedGen C5830283, MONDO:0859514, OMIM 620246.
Thyrotoxic periodic paralysis, susceptibility to, 1 (TTPP1). Identifiers: Orphanet 79102, MedGen C2749982, MONDO:0008570, OMIM 188580.

Allele frequency attached by ClinVar (database versions not stated): TOPMed below 0.00001; gnomAD 0.00001 and 0.00003; gnomAD exomes 0.00001 and 0.00004; ExAC 0.00004; 1000 Genomes Project 30x 0.00016; 1000 Genomes Project 0.00020.
gnomAD v4.1: 24 of 1,614,206 alleles (0.0015%); highest among the groups gnomAD compares: South Asian, 0.019%; no homozygotes.

Submissions (4):

Labcorp Genetics (formerly Invitae), Labcorp
Classification: Benign for Hypokalemic periodic paralysis, type 1; Malignant hyperthermia, susceptibility to, 5. Last evaluated: 2025-10-15. Review status: criteria provided, single submitter. Criteria: Invitae Variant Classification Sherloc (09022015). Collection method: clinical testing. Allele origin: germline.

GeneDx
Classification: Uncertain significance. Last evaluated: 2024-12-26. Review status: criteria provided, single submitter. Criteria: GeneDx Variant Classification Process June 2021. Collection method: clinical testing. Allele origin: germline. Affected: yes.
Comment: In silico analysis supports that this missense variant has a deleterious effect on protein structure/function; Has not been previously published as pathogenic or benign to our knowledge

Color Diagnostics, LLC DBA Color Health
Classification: Uncertain significance for Malignant hyperthermia, susceptibility to, 5. Last evaluated: 2024-03-06. Review status: criteria provided, single submitter. Criteria: ACMG Guidelines, 2015. Collection method: clinical testing. Allele origin: germline.
Comment: This missense variant replaces isoleucine with threonine at codon 95 of the CACNA1S protein. Computational prediction suggests that this variant may not impact protein structure and function. To our knowledge, functional studies have not been reported for this variant. This variant has not been reported in individuals affected with CACNA1S-related disorders in the literature. This variant has been identified in 10/251482 chromosomes in the general population by the Genome Aggregation Database (gnomAD). The available evidence is insufficient to determine the role of this variant in disease conclusively. Therefore, this variant is classified as a Variant of Uncertain Significance.

Fulgent Genetics
Classification: Uncertain significance for Hypokalemic periodic paralysis, type 1; Thyrotoxic periodic paralysis, susceptibility to, 1; Malignant hyperthermia, susceptibility to, 5; Congenital myopathy 18. Last evaluated: 2023-12-27. Review status: criteria provided, single submitter. Criteria: ACMG Guidelines, 2015. Collection method: clinical testing. Allele origin: germline.

NM_000069.3(CACNA1S):c.284T>C (p.Ile95Thr)

Gene: CACNA1S (calcium voltage-gated channel subunit alpha1 S; minus strand). Cytogenetic location: 1q32.1.
Variant type: single nucleotide variant.
Coding change: c.284T>C on transcript NM_000069.3 (MANE Select); coding-DNA position 284, T replaced by C.
Protein change: p.Ile95Thr; replaces isoleucine 95 with threonine.
Molecular consequence: missense variant.
Genome position (GRCh38, 1-based): chr1:201,093,996, A>G on the plus strand (T>C on the coding strand, the complement: CACNA1S is on the minus strand). VCF-style: chr1-201093996-A-G. GRCh37 (hg19) VCF-style: chr1-201063124-A-G.
Other names: c.284T>C (NM_000069.2); short protein forms I95T.
Identifiers: ClinVar variation 1438662 (VCV001438662.9), dbSNP rs550479246, ClinGen allele CA079319.